The following is an entry in ClinVar:

NM_173491.4(LSM11):c.17G>T (p.Arg6Leu)

Genes: LSM11 (LSM11, U7 small nuclear RNA associated; plus strand), LOC129995145 (ATAC-STARR-seq lymphoblastoid silent region 16563; plus strand). Cytogenetic location: 5q33.3.
Variant type: single nucleotide variant.
Coding change: c.17G>T on transcript NM_173491.4 (MANE Select); coding-DNA position 17, G replaced by T.
Protein change: p.Arg6Leu; replaces arginine 6 with leucine.
Molecular consequence: missense variant.
Genome position (GRCh38, 1-based): chr5:157,743,767, G>T. VCF-style: chr5-157743767-G-T. GRCh37 (hg19) VCF-style: chr5-157170775-G-T.
Other names: p.Arg6Leu; short protein forms R6L.
Identifiers: ClinVar variation 4684878 (VCV004684878.2).
Genomic context (GRCh38, chr5:157,743,767, plus strand): 5'-TCGTTCCTTCTTCCCATCGGCCTCGGCTTGCGGGCCTTTCAAACATGGAGGAGCGGGAGC[G>T]GGGGGCGAGGTCGGCTGGCGCCGGGAGCCCCGCGCGCCCGCCCAGCCCGCGGCTGGATGT-3'
Protein context (NP_775762.1, residues 1-16): MEERE[Arg6Leu]GARSAGAGSP

ClinVar aggregate classification (germline): Benign/Likely benign. Review status: criteria provided, multiple submitters, no conflicts (2 of 4 stars). 2 submissions from 2 submitters: Benign (1); Likely benign (1). Last evaluated 2026-02-11.

gnomAD v4.1: 2,999 of 1,405,064 alleles (0.21%); highest among the groups gnomAD compares: African/African-American, 4%; 60 homozygotes.

Submissions (2):

Women's Health and Genetics/Laboratory Corporation of America, LabCorp
Classification: Likely benign. Last evaluated: 2026-02-11. Review status: criteria provided, single submitter. Criteria: LabCorp Variant Classification Summary - May 2015. Collection method: clinical testing. Allele origin: germline.
Comment: Variant summary: LSM11 c.17G>T (p.Arg6Leu) results in a non-conservative amino acid change in the encoded protein sequence. Algorithms developed to predict the effect of missense changes on protein structure and function are either unavailable or do not agree on the potential impact of this missense change. The variant allele was found at a frequency of 0.0021 in 1405064 control chromosomes, predominantly at a frequency of 0.04 within the African or African-American subpopulation in the gnomAD database, including 60 homozygotes. The observed variant frequency within African or African-American control individuals in the gnomAD database exceeds the estimated maximal expected allele frequency for disease-causing variants in LSM11. To our knowledge, no occurrence of c.17G>T in individuals affected with LSM11-related conditions and no experimental evidence demonstrating its impact on protein function have been reported. ClinVar contains an entry for this variant (Variation ID: 4684878). Based on the evidence outlined above, the variant was classified as likely benign.

Mayo Clinic Laboratories, Mayo Clinic
Classification: Benign. Last evaluated: 2023-08-29. Review status: criteria provided, single submitter. Criteria: ACMG Guidelines, 2015. Collection method: clinical testing. Allele origin: germline. Observed: 3 variant alleles.
Comment: BS1, BS2